The following is an entry in ClinVar:

ClinVar aggregate classification (germline): Uncertain significance (1 of 4 stars; one submission).

Allele frequency attached by ClinVar (database versions not stated): ExAC 0.00001; gnomAD exomes 0.00001; TOPMed 0.00001.
gnomAD v4.1: 3 of 1,611,958 alleles (0.00019%); highest among the groups gnomAD compares: Admixed American, 0.005%; no homozygotes.

Submission:

Labcorp Genetics (formerly Invitae), Labcorp
Classification: Uncertain significance. Last evaluated: 2021-06-06. Review status: criteria provided, single submitter. Criteria: Invitae Variant Classification Sherloc (09022015). Collection method: clinical testing. Allele origin: germline.
Comment: This sequence change replaces asparagine with serine at codon 857 of the INTS1 protein (p.Asn857Ser). The asparagine residue is highly conserved and there is a small physicochemical difference between asparagine and serine. This variant is present in population databases (rs778019156, ExAC 0.01%). This variant has not been reported in the literature in individuals with INTS1-related conditions. Algorithms developed to predict the effect of missense changes on protein structure and function are either unavailable or do not agree on the potential impact of this missense change (SIFT: "Tolerated"; PolyPhen-2: "Possibly Damaging"; Align-GVGD: "Class C0"). In summary, the available evidence is currently insufficient to determine the role of this variant in disease. Therefore, it has been classified as a Variant of Uncertain Significance.

NM_001080453.3(INTS1):c.2570A>G (p.Asn857Ser)

Gene: INTS1 (integrator complex subunit 1; minus strand). Cytogenetic location: 7p22.3.
Variant type: single nucleotide variant.
Coding change: c.2570A>G on transcript NM_001080453.3 (MANE Select); coding-DNA position 2570, A replaced by G.
Protein change: p.Asn857Ser; replaces asparagine 857 with serine.
Molecular consequence: missense variant.
Genome position (GRCh38, 1-based): chr7:1,487,396, T>C on the plus strand (A>G on the coding strand, the complement: INTS1 is on the minus strand). VCF-style: chr7-1487396-T-C. GRCh37 (hg19) VCF-style: chr7-1527032-T-C.
Other names: short protein forms N857S.
Identifiers: ClinVar variation 1448503 (VCV001448503.6), dbSNP rs778019156, ClinGen allele CA4119734.
Genomic context (GRCh38, chr7:1,487,396, plus strand): 5'-TGGAGGAGAAAGTCAGGGTTTCGGCTGCGGCACAAGAGGTGCCCGAGGCGGAGGGACTGG[T>C]TGAGGCTTTTCACTTGATCCAGGATGTGAGGGGGAGGCCTCCGGGGGGGCCCCCTGAGGG-3'
Protein context (NP_001073922.2, residues 847-867): PHILDQVKSL[Asn857Ser]QSLRLGHLLC